The following is an entry in ClinVar:

ClinVar aggregate classification (germline): Uncertain significance. Review status: criteria provided, multiple submitters, no conflicts (2 of 4 stars). 2 submissions from 2 submitters: Uncertain significance (2). Last evaluated 2025-12-08.

Conditions:
Immunodeficiency, common variable, 14. Identifiers: Orphanet 696904, MedGen C4540380, MONDO:0054691, OMIM 617765.

Allele frequency attached by ClinVar (database versions not stated): gnomAD exomes 0.00001; TOPMed below 0.00001.

Submissions (2):

Labcorp Genetics (formerly Invitae), Labcorp
Classification: Uncertain significance. Last evaluated: 2025-12-08. Review status: criteria provided, single submitter. Criteria: Invitae Variant Classification Sherloc (09022015). Collection method: clinical testing. Allele origin: germline.
Comment: This sequence change replaces alanine, which is neutral and non-polar, with valine, which is neutral and non-polar, at codon 246 of the IRF2BP2 protein (p.Ala246Val). The frequency data for this variant in the population databases is considered unreliable, as metrics indicate poor data quality at this position in the gnomAD database. This variant has not been reported in the literature in individuals affected with IRF2BP2-related conditions. ClinVar contains an entry for this variant (Variation ID: 1896379). An algorithm developed to predict the effect of missense changes on protein structure and function (PolyPhen-2) suggests that this variant is likely to be tolerated. In summary, the available evidence is currently insufficient to determine the role of this variant in disease. Therefore, it has been classified as a Variant of Uncertain Significance.

Department of Pathology and Laboratory Medicine, Sinai Health System
Classification: Uncertain significance for Immunodeficiency, common variable, 14. Last evaluated: 2021-11-01. Review status: criteria provided, single submitter. Criteria: ACMG Guidelines, 2015. Collection method: research. Allele origin: germline.

NM_182972.3(IRF2BP2):c.737C>T (p.Ala246Val)

Gene: IRF2BP2 (interferon regulatory factor 2 binding protein 2; minus strand). Cytogenetic location: 1q42.3.
Variant type: single nucleotide variant.
Coding change: c.737C>T on transcript NM_182972.3 (MANE Select); coding-DNA position 737, C replaced by T.
Protein change: p.Ala246Val; replaces alanine 246 with valine.
Molecular consequence: missense variant.
Genome position (GRCh38, 1-based): chr1:234,608,758, G>A on the plus strand (C>T on the coding strand, the complement: IRF2BP2 is on the minus strand). VCF-style: chr1-234608758-G-A. GRCh37 (hg19) VCF-style: chr1-234744504-G-A.
Other names: c.737C>T, p.Ala246Val (NM_001077397.1); short protein forms A246V.
Identifiers: ClinVar variation 1896379 (VCV001896379.6), dbSNP rs1326010187, ClinGen allele CA345308719.